The following is an entry in ClinVar:

ClinVar aggregate classification (germline): Likely pathogenic (1 of 4 stars; one submission).

Conditions:
Ornithine carbamoyltransferase deficiency (OTCD). Also called: ORNITHINE TRANSCARBAMYLASE DEFICIENCY; ORNITHINE TRANSCARBAMYLASE DEFICIENCY, HYPERAMMONEMIA DUE TO; OTC DEFICIENCY; Ornithine Carbamoyltransferase Deficiency Disease. Identifiers: Orphanet 664, MedGen C0268542, MONDO:0010703, OMIM 311250.

Submission:

Labcorp Genetics (formerly Invitae), Labcorp
Classification: Likely pathogenic for Ornithine carbamoyltransferase deficiency. Last evaluated: 2023-03-27. Review status: criteria provided, single submitter. Criteria: Invitae Variant Classification Sherloc (09022015). Collection method: clinical testing. Allele origin: germline.
Comment: This variant disrupts the p.Arg40 amino acid residue in OTC. Other variant(s) that disrupt this residue have been determined to be pathogenic (PMID: 7860066, 11260212, 23209112; Invitae). This suggests that this residue is clinically significant, and that variants that disrupt this residue are likely to be disease-causing. Advanced modeling of protein sequence and biophysical properties (such as structural, functional, and spatial information, amino acid conservation, physicochemical variation, residue mobility, and thermodynamic stability) performed at Invitae indicates that this missense variant is expected to disrupt OTC protein function. This missense change has been observed in individual(s) with ornithine transcarbamylase deficiency (PMID: 25026867). This variant is not present in population databases (gnomAD no frequency). This sequence change replaces arginine, which is basic and polar, with leucine, which is neutral and non-polar, at codon 40 of the OTC protein (p.Arg40Leu). In summary, the currently available evidence indicates that the variant is pathogenic, but additional data are needed to prove that conclusively. Therefore, this variant has been classified as Likely Pathogenic.

Literature cited by the submitters: PubMed 7860066; PubMed 11260212; PubMed 23209112; PubMed 25026867.

NM_000531.6(OTC):c.119G>T (p.Arg40Leu)

Gene: OTC (ornithine transcarbamylase; plus strand). Cytogenetic location: Xp11.4.
Variant type: single nucleotide variant.
Coding change: c.119G>T on transcript NM_000531.6 (MANE Select); coding-DNA position 119, G replaced by T.
Protein change: p.Arg40Leu; replaces arginine 40 with leucine.
Molecular consequence: missense variant.
Genome position (GRCh38, 1-based): chrX:38,367,332, G>T. VCF-style: chrX-38367332-G-T. GRCh37 (hg19) VCF-style: chrX-38226585-G-T.
Other names: c.119G>T, p.Arg40Leu (NM_001407092.1); short protein forms R40L.
Identifiers: ClinVar variation 2737202 (VCV002737202.3), dbSNP rs72554308, ClinGen allele CA412715937.